The following is an entry in ClinVar:

NM_177438.3(DICER1):c.4444A>G (p.Lys1482Glu)

Gene: DICER1 (dicer 1, ribonuclease III; minus strand). Cytogenetic location: 14q32.13.
Variant type: single nucleotide variant.
Coding change: c.4444A>G on transcript NM_177438.3 (MANE Select); coding-DNA position 4444, A replaced by G.
Protein change: p.Lys1482Glu; replaces lysine 1482 with glutamic acid.
Molecular consequence: missense variant. On other transcripts: non-coding transcript variant (6).
Genome position (GRCh38, 1-based): chr14:95,096,476, T>C on the plus strand (A>G on the coding strand, the complement: DICER1 is on the minus strand). VCF-style: chr14-95096476-T-C. GRCh37 (hg19) VCF-style: chr14-95562813-T-C.
Other names: c.4444A>G, p.Lys1482Glu (NM_001195573.1, NM_001271282.3, NM_001291628.2 and 13 more transcripts); c.4162A>G, p.Lys1388Glu (NM_001395686.1); c.4039A>G, p.Lys1347Glu (NM_001395687.1, NM_001395688.1, NM_001395689.1 and 2 more transcripts); c.3877A>G, p.Lys1293Glu (NM_001395691.1); c.2761A>G, p.Lys921Glu (NM_001395697.1); short protein forms K1482E, K921E, K1293E, K1347E, K1388E.
Identifiers: ClinVar variation 1985907 (VCV001985907.4), dbSNP rs2542502441, ClinGen allele CA390868462.

ClinVar aggregate classification (germline): Uncertain significance (1 of 4 stars; one submission).

Conditions:
DICER1-related tumor predisposition. Also called: DICER1 syndrome; DICER1-related pleuropulmonary blastoma cancer predisposition syndrome. Identifiers: Orphanet 284343, MedGen C3839822, MONDO:0100216.

Submission:

Labcorp Genetics (formerly Invitae), Labcorp
Classification: Uncertain significance for DICER1-related tumor predisposition. Last evaluated: 2024-08-29. Review status: criteria provided, single submitter. Criteria: Invitae Variant Classification Sherloc (09022015). Collection method: clinical testing. Allele origin: germline.
Comment: This sequence change replaces lysine, which is basic and polar, with glutamic acid, which is acidic and polar, at codon 1482 of the DICER1 protein (p.Lys1482Glu). This variant is not present in population databases (gnomAD no frequency). This variant has not been reported in the literature in individuals affected with DICER1-related conditions. ClinVar contains an entry for this variant (Variation ID: 1985907). An algorithm developed to predict the effect of missense changes on protein structure and function (PolyPhen-2) suggests that this variant is likely to be tolerated. In summary, the available evidence is currently insufficient to determine the role of this variant in disease. Therefore, it has been classified as a Variant of Uncertain Significance.